The following is an entry in ClinVar:

ClinVar aggregate classification (germline): Uncertain significance. Review status: criteria provided, multiple submitters, no conflicts (2 of 4 stars). 2 submissions from 2 submitters: Uncertain significance (2). Last evaluated 2025-03-03.

Conditions:
Hereditary cancer-predisposing syndrome. Also called: Hereditary neoplastic syndrome; Tumor predisposition; Hereditary Cancer Syndrome; Neoplastic Syndromes, Hereditary. Identifiers: Orphanet 140162, MedGen C0027672, MeSH D009386, MONDO:0015356.
Neuroblastoma, susceptibility to, 3. Also called: ALK-Related Neuroblastic Tumor Susceptibility. Identifiers: Orphanet 635, MedGen C2751681, MONDO:0013083, OMIM 613014.

Submissions (2):

Ambry Genetics
Classification: Uncertain significance for Hereditary cancer-predisposing syndrome. Last evaluated: 2025-03-03. Review status: criteria provided, single submitter. Criteria: Ambry Variant Classification Scheme 2023. Collection method: clinical testing. Allele origin: germline.
Comment: The p.M1328T variant (also known as c.3983T>C), located in coding exon 27 of the ALK gene, results from a T to C substitution at nucleotide position 3983. The methionine at codon 1328 is replaced by threonine, an amino acid with similar properties. This amino acid position is highly conserved in available vertebrate species. In addition, the in silico prediction for this alteration is inconclusive. Based on the available evidence, the clinical significance of this variant remains unclear.

Labcorp Genetics (formerly Invitae), Labcorp
Classification: Uncertain significance for Neuroblastoma, susceptibility to, 3. Last evaluated: 2021-09-18. Review status: criteria provided, single submitter. Criteria: Invitae Variant Classification Sherloc (09022015). Collection method: clinical testing. Allele origin: germline.
Comment: In summary, the available evidence is currently insufficient to determine the role of this variant in disease. Therefore, it has been classified as a Variant of Uncertain Significance. Algorithms developed to predict the effect of missense changes on protein structure and function are either unavailable or do not agree on the potential impact of this missense change (SIFT: "Deleterious"; PolyPhen-2: "Probably Damaging"; Align-GVGD: "Class C0"). This variant has not been reported in the literature in individuals affected with ALK-related conditions. This variant is not present in population databases (ExAC no frequency). This sequence change replaces methionine with threonine at codon 1328 of the ALK protein (p.Met1328Thr). The methionine residue is highly conserved and there is a moderate physicochemical difference between methionine and threonine.

NM_004304.5(ALK):c.3983T>C (p.Met1328Thr)

Gene: ALK (ALK receptor tyrosine kinase; minus strand). Cytogenetic location: 2p23.2.
Variant type: single nucleotide variant.
Coding change: c.3983T>C on transcript NM_004304.5 (MANE Select); coding-DNA position 3983, T replaced by C.
Protein change: p.Met1328Thr; replaces methionine 1328 with threonine.
Molecular consequence: missense variant.
Genome position (GRCh38, 1-based): chr2:29,197,632, A>G on the plus strand (T>C on the coding strand, the complement: ALK is on the minus strand). VCF-style: chr2-29197632-A-G. GRCh37 (hg19) VCF-style: chr2-29420498-A-G.
Other names: c.779T>C, p.Met260Thr (NM_001353765.2); c.3983T>C (NM_004304.4); short protein forms M260T, M1328T.
Identifiers: ClinVar variation 1422622 (VCV001422622.8), dbSNP rs2148143507, ClinGen allele CA346466277.